The following is an entry in ClinVar:

NM_015570.4(AUTS2):c.2144_2146+3dup

Gene: AUTS2 (activator of transcription and developmental regulator AUTS2; plus strand). Cytogenetic location: 7q11.22.
Variant type: Duplication.
Coding change: c.2144_2146+3dup on transcript NM_015570.4 (MANE Select); coding-DNA position 2144 through 3 bases into the intron after coding-DNA position 2146, 6 bases duplicated (CTGGTG; older notation c.2144_2146+3dupCTGGTG).
Molecular consequence: splice donor variant.
Genome position (GRCh38, 1-based): chr7:70,781,754-70,781,759, CTGGTG duplicated; duplicating any 6 consecutive bases within chr7:70,781,753-70,781,759 gives the same sequence; the c. name uses the placement nearest the transcript's 3' end. VCF-style (leftmost placement, unchanged base first): chr7-70781752-C-CGCTGGT. GRCh37 (hg19) VCF-style: chr7-70246738-C-CGCTGGT.
Other names: c.2072_2074+3dup (NM_001127231.3).
Identifiers: ClinVar variation 1309581 (VCV001309581.2), dbSNP rs2129559986, ClinGen allele CA2573052911.

ClinVar aggregate classification (germline): Uncertain significance (1 of 4 stars; one submission).

Submission:

GeneDx
Classification: Uncertain significance. Last evaluated: 2019-11-08. Review status: criteria provided, single submitter. Criteria: GeneDx Variant Classification Process June 2021. Collection method: clinical testing. Allele origin: germline. Affected: yes.
Comment: Not observed in large population cohorts (Lek et al., 2016); In-silico analysis, which includes splice predictors and evolutionary conservation, is inconclusive as to whether the variant alters gene splicing. In the absence of RNA/functional studies, the actual effect of this sequence change is unknown.; Has not been previously published as pathogenic or benign to our knowledge